The following is an entry in ClinVar:

NM_024675.4(PALB2):c.353T>C (p.Ile118Thr)

Gene: PALB2 (partner and localizer of BRCA2; minus strand). Cytogenetic location: 16p12.2.
Variant type: single nucleotide variant.
Coding change: c.353T>C on transcript NM_024675.4 (MANE Select); coding-DNA position 353, T replaced by C.
Protein change: p.Ile118Thr; replaces isoleucine 118 with threonine.
Molecular consequence: missense variant.
Genome position (GRCh38, 1-based): chr16:23,636,193, A>G on the plus strand (T>C on the coding strand, the complement: PALB2 is on the minus strand). VCF-style: chr16-23636193-A-G. GRCh37 (hg19) VCF-style: chr16-23647514-A-G.
Other names: p.I118T:ATA>ACA; short protein forms I118T.
Identifiers: ClinVar variation 128143 (VCV000128143.30), dbSNP rs370404126, ClinGen allele CA288485.

ClinVar aggregate classification (germline): Conflicting classifications of pathogenicity. Review status: criteria provided, conflicting classifications (1 of 4 stars). 11 submissions from 11 submitters: Uncertain significance (7); Benign (1); Likely benign (1). 2 of the submissions do not count toward it. Last evaluated 2025-09-08.

Conditions:
Hereditary cancer-predisposing syndrome. Also called: Hereditary neoplastic syndrome; Neoplastic Syndromes, Hereditary; Hereditary Cancer Syndrome; Tumor predisposition. Identifiers: Orphanet 140162, MedGen C0027672, MeSH D009386, MONDO:0015356.
Familial cancer of breast. Also called: Hereditary breast cancer; BREAST CANCER, FAMILIAL; hereditary breast carcinoma. Identifiers: Orphanet 227535, MedGen C0346153, MONDO:0016419, OMIM 114480. Disease mechanism: loss of function.

Allele frequency attached by ClinVar (database versions not stated): TOPMed below 0.00001; gnomAD 0.00001; gnomAD exomes 0.00001 and 0.00002; ExAC 0.00002; ESP Exome Variant Server 0.00008.
gnomAD v4.1: 28 of 1,613,128 alleles (0.0017%); highest among the groups gnomAD compares: Non-Finnish European, 0.0024%; no homozygotes.

Submissions (11):

Quest Diagnostics Nichols Institute San Juan Capistrano
Classification: Uncertain significance. Last evaluated: 2025-09-08. Review status: criteria provided, single submitter. Criteria: Quest Diagnostics criteria. Collection method: clinical testing. Allele origin: unknown.
Comment: The PALB2 c.353T>C (p.Ile118Thr) variant has been reported in case-control studies in individuals with breast cancer (PMID: 28779002 (2017), 33471991 (2021), see LOVD) and in reportedly unaffected individuals (PMID: 33471991 (2021), 36243179 (2022), 32980694 (2020), 30287823 (2018), 28779002 (2017), 26283626 (2015)). The frequency of this variant in the general population (Genome Aggregation Database) is uninformative in the assessment of its pathogenicity. Analysis of this variant using bioinformatics tools for the prediction of the effect of amino acid changes on protein structure and function yielded predictions that this variant is benign. Based on the available information, we are unable to determine the clinical significance of this variant.

Color Diagnostics, LLC DBA Color Health
Classification: Uncertain significance for Hereditary cancer-predisposing syndrome. Last evaluated: 2025-01-07. Review status: criteria provided, single submitter. Criteria: ACMG Guidelines, 2015. Collection method: clinical testing. Allele origin: germline.
Comment: This missense variant replaces isoleucine with threonine at codon 118 of the PALB2 protein. Computational prediction suggests that this variant may not impact protein structure and function. To our knowledge, functional studies have not been reported for this variant. In three breast cancer case-control studies, this variant has been observed in 0/1996 cases and 1/1998 healthy controls (PMID: 26283626), 0/7051 cases and 1/11241controls (PMID: 30287823), and 5/60466 cases and 1/53461 controls (PMID: 33471991; Leiden Open Variation Database DB-ID PALB2_010538). In a pancreatic cancer case-control study, this variant has been observed in 0/1005 and 1/23705 controls (PMID: 32980694). This variant has been identified in 3/250634 chromosomes in the general population by the Genome Aggregation Database (gnomAD). The available evidence is insufficient to determine the role of this variant in disease conclusively. Therefore, this variant is classified as a Variant of Uncertain Significance.

Molecular Pathology, Peter Maccallum Cancer Centre
Classification: Uncertain significance for Familial cancer of breast. Last evaluated: 2024-12-30. Review status: criteria provided, single submitter. Criteria: ACMG Guidelines, 2015. Collection method: clinical testing. Allele origin: germline. Inheritance: Autosomal dominant inheritance.

Labcorp Genetics (formerly Invitae), Labcorp
Classification: Uncertain significance for Familial cancer of breast. Last evaluated: 2024-12-18. Review status: criteria provided, single submitter. Criteria: Invitae Variant Classification Sherloc (09022015). Collection method: clinical testing. Allele origin: germline.
Comment: This sequence change replaces isoleucine, which is neutral and non-polar, with threonine, which is neutral and polar, at codon 118 of the PALB2 protein (p.Ile118Thr). This variant is present in population databases (rs370404126, gnomAD 0.004%). This variant has not been reported in the literature in individuals affected with PALB2-related conditions. ClinVar contains an entry for this variant (Variation ID: 128143). An algorithm developed to predict the effect of missense changes on protein structure and function outputs the following: PolyPhen-2: "Benign". The threonine amino acid residue is found in multiple mammalian species, which suggests that this missense change does not adversely affect protein function. In summary, the available evidence is currently insufficient to determine the role of this variant in disease. Therefore, it has been classified as a Variant of Uncertain Significance.

GeneDx
Classification: Uncertain significance. Last evaluated: 2023-05-24. Review status: criteria provided, single submitter. Criteria: GeneDx Variant Classification Process June 2021. Collection method: clinical testing. Allele origin: germline. Affected: yes.
Comment: Not observed at significant frequency in large population cohorts (gnomAD); In silico analysis supports that this missense variant does not alter protein structure/function; This variant is associated with the following publications: (PMID: 27783279, 24584348, 28779002, 26283626, 30287823, 32980694, 33471991)

Myriad Genetics, Inc.
Classification: Benign for Familial cancer of breast. Last evaluated: 2023-03-31. Review status: criteria provided, single submitter. Criteria: Myriad Autosomal Dominant, Autosomal Recessive and X-Linked Classification Criteria (2023). Collection method: clinical testing. Allele origin: unknown.
Comment: This variant is considered benign. This variant is strongly associated with less severe personal and family histories of cancer, typical for individuals without pathogenic variants in this gene [PMID: 25085752]. This variant has been observed in trans with a known pathogenic variant in one or more individuals lacking clinical features consistent with gene-specific recessive disease.

Women's Health and Genetics/Laboratory Corporation of America, LabCorp
Classification: Uncertain significance. Last evaluated: 2022-03-03. Review status: criteria provided, single submitter. Criteria: LabCorp Variant Classification Summary - May 2015. Collection method: clinical testing. Allele origin: germline.
Comment: Variant summary: PALB2 c.353T>C (p.Ile118Thr) results in a non-conservative amino acid change in the encoded protein sequence. Four of five in-silico tools predict a benign effect of the variant on protein function. The variant allele was found at a frequency of 2.1e-05 in 288088 control chromosomes (gnomAD, publications). The available data on variant occurrences in the general population are insufficient to allow any conclusion about variant significance. c.353T>C has been reported in the literature in individuals affected with Breast Cancer (Dorling_2021, Decker_2017), however these reports do not provide unequivocal conclusions about association of the variant with Breast Cancer. One co-occurrence with another pathogenic variant has been seen in our laboratory (CHEK2 c.1100delC, p.Thr367MetfsX15), providing supporting evidence for a benign role. To our knowledge, no experimental evidence demonstrating an impact on protein function has been reported. Seven ClinVar submitters have assessed the variant since 2014: all have classified the variant as uncertain significance. Based on the evidence outlined above, the variant was classified as uncertain significance.

Ambry Genetics
Classification: Likely benign for Hereditary cancer-predisposing syndrome. Last evaluated: 2021-09-15. Review status: criteria provided, single submitter. Criteria: Ambry Variant Classification Scheme 2023. Collection method: clinical testing. Allele origin: germline.

Cancer Genetics Laboratory, Peter MacCallum Cancer Centre
Classification: Uncertain significance for Familial cancer of breast. Last evaluated: 2015-06-01. Review status: criteria provided, single submitter. Criteria: Thompson et al. (Breast Cancer Res. 2015). Collection method: case-control. Allele origin: germline. Affected: no. Observed: 1 variant allele, 1 heterozygote.

Leiden Open Variation Database
Classification: Uncertain significance. Last evaluated: 2018-10-10. Review status: no assertion criteria provided. Collection method: curation. Allele origin: germline. Affected: yes. Not counted in ClinVar's aggregate classification.
Comment: Curators: Marc Tischkowitz, Arleen D. Auerbach. Submitter to LOVD: Yukihide Momozawa.

Counsyl
Classification: Uncertain significance for Familial cancer of breast. Last evaluated: 2016-08-18. Review status: no assertion criteria provided. Collection method: clinical testing. Allele origin: unknown. Not counted in ClinVar's aggregate classification.

Literature cited by the submitters: PubMed 33471991 (cited by 3 submitters); PubMed 36243179 (cited by Quest Diagnostics Nichols Institute San Juan Capistrano); PubMed 32980694 (cited by Quest Diagnostics Nichols Institute San Juan Capistrano and Color Diagnostics, LLC DBA Color Health); PubMed 30287823 (cited by 5 submitters); PubMed 28779002 (cited by 3 submitters); PubMed 26283626 (cited by 4 submitters); PubMed 25085752 (cited by Myriad Genetics, Inc.).